The following is an entry in ClinVar:

ClinVar aggregate classification (germline): Likely benign (0 of 4 stars; one submission).

Conditions:
BRSK2-related disorder. Also called: BRSK2-related condition; BRSK2-Related Disorders.

Allele frequency attached by ClinVar (database versions not stated): ESP Exome Variant Server 0.00008; gnomAD exomes 0.00013; TOPMed 0.00015; gnomAD 0.00016; ExAC 0.00018; 1000 Genomes Project 0.00040; 1000 Genomes Project 30x 0.00047.
gnomAD v4.1: 203 of 1,611,994 alleles (0.013%); highest among the groups gnomAD compares: South Asian, 0.04%; no homozygotes.

Submission:

PreventionGenetics, part of Exact Sciences
Classification: Likely benign for BRSK2-related condition. Last evaluated: 2023-07-20. Review status: no assertion criteria provided. Collection method: clinical testing. Allele origin: germline.
Comment: This variant is classified as likely benign based on ACMG/AMP sequence variant interpretation guidelines (Richards et al. 2015 PMID: 25741868, with internal and published modifications).

NM_001256627.2(BRSK2):c.1182G>A (p.Pro394=)

Gene: BRSK2 (BR serine/threonine kinase 2; plus strand). Cytogenetic location: 11p15.5.
Variant type: single nucleotide variant.
Coding change: c.1182G>A on transcript NM_001256627.2 (MANE Select); coding-DNA position 1182, G replaced by A.
Protein change: p.Pro394=; no amino-acid change (proline 394 retained).
Molecular consequence: synonymous variant. On other transcripts: non-coding transcript variant (1).
Genome position (GRCh38, 1-based): chr11:1,445,863, G>A. VCF-style: chr11-1445863-G-A. GRCh37 (hg19) VCF-style: chr11-1467093-G-A.
Other names: c.1182G>A, p.Pro394= (NM_001256629.2, NM_003957.4); c.1320G>A, p.Pro440= (NM_001256630.1); c.1002G>A, p.Pro334= (NM_001282218.2).
Identifiers: ClinVar variation 3051336 (VCV003051336.2), dbSNP rs199701245, ClinGen allele CA5810854.
Genomic context (GRCh38, chr11:1,445,863, plus strand): 5'-CAAGCGGCGGCCAGAACGCAAATCCATGGAGGTGCTCAGCGTGACGGACGGCGGCTCCCC[G>A]GTGCCTGCGCGGCGGGCCATTGAGATGGCCCAGCACGGCCAGAGGTGTGTGTGCCCCGAG-3'
Protein context (NP_001243556.1, residues 384-404): EVLSVTDGGS[Pro394=]VPARRAIEMA